The following is an entry in ClinVar:

ClinVar aggregate classification (germline): Uncertain significance (1 of 4 stars; one submission).

Conditions:
Cardiovascular phenotype. Identifiers: MedGen CN230736.

Submissions (2):

Ambry Genetics
Classification: Uncertain significance for Cardiovascular phenotype. Last evaluated: 2026-03-26. Review status: criteria provided, single submitter. Criteria: Ambry Variant Classification Scheme 2023. Collection method: clinical testing. Allele origin: germline.
Comment: The p.V80L variant (also known as c.238G>C), located in coding exon 1 of the KCNE1 gene, results from a G to C substitution at nucleotide position 238. The valine at codon 80 is replaced by leucine, an amino acid with highly similar properties. This amino acid position is not well conserved in available vertebrate species. In addition, the in silico prediction for this alteration is inconclusive. Based on the available evidence, the clinical significance of this variant remains unclear.

Roden Lab, Vanderbilt University Medical Center
No classification provided (evidence only). Condition: Long QT syndrome 5. Review status: no classification provided. Collection method: in vitro. Allele origin: not applicable. Functional consequence: Effect on ion channel function. Not counted in ClinVar's aggregate classification.
ClinVar note: "not provided" was previously submitted as the classification for the variant. However, the classification appeared to be based only on an observation of functional data so it was converted to no classification on 2025-07-30.

Literature cited by the submitters: PubMed 38306576 (cited by Ambry Genetics).

NM_000219.6(KCNE1):c.238G>C (p.Val80Leu)

Gene: KCNE1 (potassium voltage-gated channel subfamily E regulatory subunit 1; minus strand). Cytogenetic location: 21q22.12.
Variant type: single nucleotide variant.
Coding change: c.238G>C on transcript NM_000219.6 (MANE Select); coding-DNA position 238, G replaced by C.
Protein change: p.Val80Leu; replaces valine 80 with leucine.
Molecular consequence: missense variant.
Genome position (GRCh38, 1-based): chr21:34,449,397, C>G on the plus strand (G>C on the coding strand, the complement: KCNE1 is on the minus strand). VCF-style: chr21-34449397-C-G. GRCh37 (hg19) VCF-style: chr21-35821695-C-G.
Other names: c.238G>C, p.Val80Leu (NM_001127670.4, NM_001270402.3, NM_001270403.2 and 4 more transcripts); short protein forms V80L.
Identifiers: ClinVar variation 3374406 (VCV003374406.3).
Genomic context (GRCh38, chr21:34,449,397, plus strand): 5'-GGACCCGGGCCTGGACATAGGCCTTGTCCTTCTCTTGCCAGGCATCGGACTCGATGTAGA[C>G]GTTGAATGGGTCGTTCGAGTGCTCCAGCTTCTTGGAGCGGATGTAGCTCAGCATGATGCC-3'
Protein context (NP_000210.2, residues 70-90): KLEHSNDPFN[Val80Leu]YIESDAWQEK